The following is an entry in ClinVar:

NM_201384.3(PLEC):c.2123T>C (p.Leu708Pro)

Gene: PLEC (plectin; minus strand). Cytogenetic location: 8q24.3.
Variant type: single nucleotide variant.
Coding change: c.2123T>C on transcript NM_201384.3 (MANE Select); coding-DNA position 2123, T replaced by C.
Protein change: p.Leu708Pro; replaces leucine 708 with proline.
Molecular consequence: missense variant.
Genome position (GRCh38, 1-based): chr8:143,931,992, A>G on the plus strand (T>C on the coding strand, the complement: PLEC is on the minus strand). VCF-style: chr8-143931992-A-G. GRCh37 (hg19) VCF-style: chr8-145006160-A-G.
Other names: c.2204T>C, p.Leu735Pro (NM_000445.5, NM_001410941.1); c.2081T>C, p.Leu694Pro (NM_201378.4); c.2057T>C, p.Leu686Pro (NM_201379.3); c.2534T>C, p.Leu845Pro (NM_201380.4); c.2027T>C, p.Leu676Pro (NM_201381.3); c.2123T>C, p.Leu708Pro (NM_201382.4); c.2135T>C, p.Leu712Pro (NM_201383.3); short protein forms L845P, L686P, L694P, L676P, L708P, L712P, L735P.
Identifiers: ClinVar variation 2093675 (VCV002093675.4), dbSNP rs2538756707, ClinGen allele CA372576917.

ClinVar aggregate classification (germline): Uncertain significance (1 of 4 stars; one submission).

Conditions:
Epidermolysis bullosa simplex 5C, with pyloric atresia (EBS5C). Also called: PLEC-Related Epidermolysis Bullosa with Pyloric Atresia; Epidermolysis bullosa simplex with pyloric atresia; PLEC1-Related Epidermolysis Bullosa with Pyloric Atresia. Identifiers: Orphanet 158684, MedGen C2677349, MONDO:0012807, OMIM 612138.
Epidermolysis bullosa simplex 5B, with muscular dystrophy (EBS5B). Also called: Epidermolysis bullosa simplex with muscular dystrophy; EPIDERMOLYSIS BULLOSA SIMPLEX AND LIMB-GIRDLE MUSCULAR DYSTROPHY. Identifiers: Orphanet 257, MedGen C2931072, MONDO:0009181, OMIM 226670.
Epidermolysis bullosa simplex, Ogna type (EBS5A). Also called: Pidermolysis bullosa simplex 5A, Ogna type; EPIDERMOLYSIS BULLOSA SIMPLEX 5A, OGNA TYPE. Identifiers: Orphanet 79401, MedGen C0432317, MONDO:0007555, OMIM 131950.
Autosomal recessive limb-girdle muscular dystrophy type 2Q (LGMDR17). Also called: MUSCULAR DYSTROPHY, LIMB-GIRDLE, AUTOSOMAL RECESSIVE 17. Identifiers: Orphanet 254361, MedGen C3150989, MONDO:0013390, OMIM 613723.
Epidermolysis bullosa simplex with nail dystrophy (EBS5D). Identifiers: MedGen C4225309, MONDO:0014661, OMIM 616487.

Allele frequency attached by ClinVar (database versions not stated): gnomAD exomes below 0.00001.
gnomAD v4.1: 2 of 1,607,886 alleles (0.00012%); highest among the groups gnomAD compares: Non-Finnish European, 0.00017%; no homozygotes.

Submission:

Labcorp Genetics (formerly Invitae), Labcorp
Classification: Uncertain significance for Autosomal recessive limb-girdle muscular dystrophy type 2Q; Epidermolysis bullosa simplex, Ogna type; Epidermolysis bullosa simplex with nail dystrophy; Epidermolysis bullosa simplex 5C, with pyloric atresia; Epidermolysis bullosa simplex 5B, with muscular dystrophy. Last evaluated: 2022-02-06. Review status: criteria provided, single submitter. Criteria: Invitae Variant Classification Sherloc (09022015). Collection method: clinical testing. Allele origin: germline.
Comment: In summary, the available evidence is currently insufficient to determine the role of this variant in disease. Therefore, it has been classified as a Variant of Uncertain Significance. Algorithms developed to predict the effect of missense changes on protein structure and function are either unavailable or do not agree on the potential impact of this missense change (SIFT: "Deleterious"; PolyPhen-2: "Not Available"; Align-GVGD: "Class C65"). This variant has not been reported in the literature in individuals affected with PLEC-related conditions. This variant is not present in population databases (gnomAD no frequency). This sequence change replaces leucine, which is neutral and non-polar, with proline, which is neutral and non-polar, at codon 735 of the PLEC protein (p.Leu735Pro).